The following is an entry in ClinVar:

NM_002160.4(TNC):c.5615G>C (p.Gly1872Ala)

Genes: TNC (tenascin C; minus strand), LOC126860740 (CDK7 strongly-dependent group 2 enhancer GRCh37_chr9:117797665-117798864; plus strand). Cytogenetic location: 9q33.1.
Variant type: single nucleotide variant.
Coding change: c.5615G>C on transcript NM_002160.4 (MANE Select); coding-DNA position 5615, G replaced by C.
Protein change: p.Gly1872Ala; replaces glycine 1872 with alanine.
Molecular consequence: missense variant.
Genome position (GRCh38, 1-based): chr9:115,036,139, C>G on the plus strand (G>C on the coding strand, the complement: TNC is on the minus strand). VCF-style: chr9-115036139-C-G. GRCh37 (hg19) VCF-style: chr9-117798418-C-G.
Other names: c.5069G>C, p.Gly1690Ala (NM_001410991.1); c.5615G>C (NM_002160.3); short protein forms G1690A, G1872A.
Identifiers: ClinVar variation 2659452 (VCV002659452.25), dbSNP rs139636928, ClinGen allele CA5207602.

ClinVar aggregate classification (germline): Likely benign. Review status: criteria provided, single submitter (1 of 4 stars). 2 submissions from 2 submitters: Likely benign (1). 1 of the submissions does not count toward it. Last evaluated 2023-07-01.

Conditions:
TNC-related disorder. Also called: TNC-related condition.

Allele frequency attached by ClinVar (database versions not stated): gnomAD exomes 0.00007; ExAC 0.00027; TOPMed 0.00052; gnomAD 0.00053; ESP Exome Variant Server 0.00054; 1000 Genomes Project 0.00240; 1000 Genomes Project 30x 0.00265.
gnomAD v4.1: 187 of 1,614,138 alleles (0.012%); highest among the groups gnomAD compares: African/African-American, 0.15%; no homozygotes.

Submissions (2):

CeGaT Center for Human Genetics Tuebingen
Classification: Likely benign. Last evaluated: 2023-07-01. Review status: criteria provided, single submitter. Criteria: CeGaT Center For Human Genetics Tuebingen Variant Classification Criteria Version 2. Collection method: clinical testing. Allele origin: germline. Affected: yes. Observed: 1 variant allele.
Comment: TNC: BP4, BS1

PreventionGenetics, part of Exact Sciences
Classification: Likely benign for TNC-related condition. Last evaluated: 2019-11-07. Review status: no assertion criteria provided. Collection method: clinical testing. Allele origin: germline. Not counted in ClinVar's aggregate classification.
Comment: This variant is classified as likely benign based on ACMG/AMP sequence variant interpretation guidelines (Richards et al. 2015 PMID: 25741868, with internal and published modifications).